The following is an entry in ClinVar:

ClinVar aggregate classification (germline): Likely benign. Review status: criteria provided, multiple submitters, no conflicts (2 of 4 stars). 4 submissions from 4 submitters: Likely benign (4). Last evaluated 2024-11-26.

Allele frequency attached by ClinVar (database versions not stated): gnomAD 0.00151 and 0.00150; ExAC below 0.00001; gnomAD exomes 0.00119; 1000 Genomes Project 0.00180; TOPMed 0.00180; 1000 Genomes Project 30x 0.00234.
gnomAD v4.1: 1,042 of 1,445,180 alleles (0.072%); highest among the groups gnomAD compares: South Asian, 0.51%; 4 homozygotes.

Submissions (4):

Blueprint Genetics
Classification: Likely benign. Last evaluated: 2024-11-26. Review status: criteria provided, single submitter. Criteria: ACMG Guidelines, 2015. Collection method: clinical testing. Allele origin: germline.

CeGaT Center for Human Genetics Tuebingen
Classification: Likely benign. Last evaluated: 2023-08-01. Review status: criteria provided, single submitter. Criteria: CeGaT Center For Human Genetics Tuebingen Variant Classification Criteria Version 2. Collection method: clinical testing. Allele origin: germline. Affected: yes. Observed: 3 variant alleles.
Comment: NDUFA11: BP4, BP7

GeneDx
Classification: Likely benign. Last evaluated: 2015-12-03. Review status: criteria provided, single submitter. Criteria: GeneDx Variant Classification (06012015). Collection method: clinical testing. Allele origin: germline. Affected: yes.
Comment: This variant is considered likely benign or benign based on one or more of the following criteria: it is a conservative change, it occurs at a poorly conserved position in the protein, it is predicted to be benign by multiple in silico algorithms, and/or has population frequency not consistent with disease.

Breakthrough Genomics
Classification: Likely benign. Review status: criteria provided, single submitter. Criteria: ACMG Guidelines, 2015. Collection method: not provided. Allele origin: germline. Inheritance: Autosomal recessive inheritance. Affected: yes.

NM_175614.2(NDUFA11):c.*1810G>A

Gene: NDUFA11 (NADH:ubiquinone oxidoreductase subunit A11; minus strand). Cytogenetic location: 19p13.3.
Variant type: single nucleotide variant.
Coding change: c.*1810G>A on transcript NM_175614.2; 1810 bases downstream of the stop codon, G replaced by A.
Molecular consequence: synonymous variant (on NM_001193375.3).
Genome position (GRCh38, 1-based): chr19:5,892,932, C>T on the plus strand (G>A on the coding strand, the complement: NDUFA11 is on the minus strand). VCF-style: chr19-5892932-C-T. GRCh37 (hg19) VCF-style: chr19-5892943-C-T.
Other names: c.672G>A, p.Ser224= (NM_001193375.3).
Identifiers: ClinVar variation 380137 (VCV000380137.39), dbSNP rs147644672, ClinGen allele CA9118835.